The following is an entry in ClinVar:

ClinVar aggregate classification (germline): Uncertain significance (1 of 4 stars; one submission).

gnomAD v4.1: 3 of 1,614,202 alleles (0.00019%); highest among the groups gnomAD compares: Non-Finnish European, 0.00025%; no homozygotes.

Submission:

Labcorp Genetics (formerly Invitae), Labcorp
Classification: Uncertain significance. Last evaluated: 2021-01-17. Review status: criteria provided, single submitter. Criteria: Invitae Variant Classification Sherloc (09022015). Collection method: clinical testing. Allele origin: germline.
Comment: Algorithms developed to predict the effect of missense changes on protein structure and function (SIFT, PolyPhen-2, Align-GVGD) all suggest that this variant is likely to be tolerated, but these predictions have not been confirmed by published functional studies and their clinical significance is uncertain. In summary, the available evidence is currently insufficient to determine the role of this variant in disease. Therefore, it has been classified as a Variant of Uncertain Significance. This variant has not been reported in the literature in individuals with EXTL3-related conditions. This variant is not present in population databases (ExAC no frequency). This sequence change replaces alanine with valine at codon 299 of the EXTL3 protein (p.Ala299Val). The alanine residue is moderately conserved and there is a small physicochemical difference between alanine and valine.

NM_001440.4(EXTL3):c.896C>T (p.Ala299Val)

Gene: EXTL3 (exostosin like glycosyltransferase 3; plus strand). Cytogenetic location: 8p21.1.
Variant type: single nucleotide variant.
Coding change: c.896C>T on transcript NM_001440.4 (MANE Select); coding-DNA position 896, C replaced by T.
Protein change: p.Ala299Val; replaces alanine 299 with valine.
Molecular consequence: missense variant.
Genome position (GRCh38, 1-based): chr8:28,716,955, C>T. VCF-style: chr8-28716955-C-T. GRCh37 (hg19) VCF-style: chr8-28574472-C-T.
Other names: short protein forms A299V.
Identifiers: ClinVar variation 1425538 (VCV001425538.8), dbSNP rs2130737942, ClinGen allele CA370857741.